The following is an entry in ClinVar:

ClinVar aggregate classification (germline): Uncertain significance. Review status: criteria provided, multiple submitters, no conflicts (2 of 4 stars). 2 submissions from 2 submitters: Uncertain significance (2). Last evaluated 2025-04-03.

Conditions:
Inborn genetic diseases. Identifiers: MedGen C0950123, MeSH D030342.

Allele frequency attached by ClinVar (database versions not stated): gnomAD 0.00002; gnomAD exomes below 0.00001; TOPMed 0.00003.
gnomAD v4.1: 8 of 1,613,482 alleles (0.0005%); highest among the groups gnomAD compares: Admixed American, 0.012%; no homozygotes.

Submissions (2):

Ambry Genetics
Classification: Uncertain significance for Inborn genetic diseases. Last evaluated: 2025-04-03. Review status: criteria provided, single submitter. Criteria: Ambry Variant Classification Scheme 2023. Collection method: clinical testing. Allele origin: germline.

Labcorp Genetics (formerly Invitae), Labcorp
Classification: Uncertain significance. Last evaluated: 2024-02-05. Review status: criteria provided, single submitter. Criteria: Invitae Variant Classification Sherloc (09022015). Collection method: clinical testing. Allele origin: germline.
Comment: This sequence change replaces cysteine, which is neutral and slightly polar, with serine, which is neutral and polar, at codon 44 of the COL9A1 protein (p.Cys44Ser). This variant is not present in population databases (gnomAD no frequency). This variant has not been reported in the literature in individuals affected with COL9A1-related conditions. ClinVar contains an entry for this variant (Variation ID: 1425726). Advanced modeling of protein sequence and biophysical properties (such as structural, functional, and spatial information, amino acid conservation, physicochemical variation, residue mobility, and thermodynamic stability) performed at Invitae indicates that this missense variant is not expected to disrupt COL9A1 protein function with a negative predictive value of 95%. In summary, the available evidence is currently insufficient to determine the role of this variant in disease. Therefore, it has been classified as a Variant of Uncertain Significance.

NM_001851.6(COL9A1):c.131G>C (p.Cys44Ser)

Gene: COL9A1 (collagen type IX alpha 1 chain; minus strand). Cytogenetic location: 6q13.
Variant type: single nucleotide variant.
Coding change: c.131G>C on transcript NM_001851.6 (MANE Select); coding-DNA position 131, G replaced by C.
Protein change: p.Cys44Ser; replaces cysteine 44 with serine.
Molecular consequence: missense variant.
Genome position (GRCh38, 1-based): chr6:70,300,344, C>G on the plus strand (G>C on the coding strand, the complement: COL9A1 is on the minus strand). VCF-style: chr6-70300344-C-G. GRCh37 (hg19) VCF-style: chr6-71010047-C-G.
Other names: c.131G>C, p.Cys44Ser (NM_001377291.1); c.131G>C (NM_001851.4); short protein forms C44S.
Identifiers: ClinVar variation 1425726 (VCV001425726.9), dbSNP rs1375599039, ClinGen allele CA364675137.